The following is an entry in ClinVar:

NM_001148.6(ANK2):c.2978T>C (p.Ile993Thr)

Gene: ANK2 (ankyrin 2; plus strand). Cytogenetic location: 4q26.
Variant type: single nucleotide variant.
Coding change: c.2978T>C on transcript NM_001148.6 (MANE Select); coding-DNA position 2978, T replaced by C.
Protein change: p.Ile993Thr; replaces isoleucine 993 with threonine.
Molecular consequence: missense variant.
Genome position (GRCh38, 1-based): chr4:113,330,323, T>C. VCF-style: chr4-113330323-T-C. GRCh37 (hg19) VCF-style: chr4-114251479-T-C.
Other names: c.2951T>C, p.Ile984Thr (NM_001127493.3); c.2990T>C, p.Ile997Thr (NM_001354225.2); c.2978T>C, p.Ile993Thr (NM_001354228.2, NM_001354258.2, NM_020977.5); c.3056T>C, p.Ile1019Thr (NM_001354230.2, NM_001354237.2); c.3020T>C, p.Ile1007Thr (NM_001354231.2, NM_001354242.2); c.3014T>C, p.Ile1005Thr (NM_001354232.2); c.2975T>C, p.Ile992Thr (NM_001354235.2, NM_001354236.2, NM_001354246.2 and 1 more transcripts); c.2948T>C, p.Ile983Thr (NM_001354239.2, NM_001354252.2, NM_001354272.2); and 23 more; short protein forms I1005T, I1032T, I898T, I922T, I939T, I951T, I988T, I1007T.
Identifiers: ClinVar variation 3539648 (VCV003539648.1).

ClinVar aggregate classification (germline): Uncertain significance (1 of 4 stars; one submission).

Conditions:
Cardiovascular phenotype. Identifiers: MedGen CN230736.

gnomAD v4.1: 1 of 1,614,220 alleles (0.000062%); highest among the groups gnomAD compares: Non-Finnish European, 0.000085%; no homozygotes.

Submission:

Ambry Genetics
Classification: Uncertain significance for Cardiovascular phenotype. Last evaluated: 2024-08-31. Review status: criteria provided, single submitter. Criteria: Ambry Variant Classification Scheme 2023. Collection method: clinical testing. Allele origin: germline.
Comment: The p.I993T variant (also known as c.2978T>C), located in coding exon 27 of the ANK2 gene, results from a T to C substitution at nucleotide position 2978. The isoleucine at codon 993 is replaced by threonine, an amino acid with similar properties. This amino acid position is conserved. In addition, this alteration is predicted to be deleterious by in silico analysis. Based on the available evidence, the clinical significance of this variant remains unclear.